The following is an entry in ClinVar:

NM_020944.3(GBA2):c.2339G>A (p.Arg780His)

Gene: GBA2 (glucosylceramidase beta 2; minus strand). Cytogenetic location: 9p13.3.
Variant type: single nucleotide variant.
Coding change: c.2339G>A on transcript NM_020944.3 (MANE Select); coding-DNA position 2339, G replaced by A.
Protein change: p.Arg780His; replaces arginine 780 with histidine.
Molecular consequence: missense variant.
Genome position (GRCh38, 1-based): chr9:35,737,914, C>T on the plus strand (G>A on the coding strand, the complement: GBA2 is on the minus strand). VCF-style: chr9-35737914-C-T. GRCh37 (hg19) VCF-style: chr9-35737911-C-T.
Other names: c.2339G>A, p.Arg780His (NM_001330660.2); short protein forms R780H.
Identifiers: ClinVar variation 3704512 (VCV003704512.2).
Genomic context (GRCh38, chr9:35,737,914, plus strand): 5'-GCCCCCATGGCCCCTCCTGCAAAGGCCTGGACGTTCAGCTCAAAGATAGTTTGGAGAGCA[C>T]GGACCACATGTTGGGTAGGAAACACCTGGAGGGGCAAGGGCAGGAACATGGTCTCATATA-3'
Protein context (NP_065995.1, residues 770-790): TEVFPTQHVV[Arg780His]ALQTIFELNV

ClinVar aggregate classification (germline): Uncertain significance (1 of 4 stars; one submission).

Conditions:
Spastic paraplegia. Identifiers: MedGen C0037772, HP:0001258.

Submission:

Labcorp Genetics (formerly Invitae), Labcorp
Classification: Uncertain significance for Spastic paraplegia. Last evaluated: 2024-02-14. Review status: criteria provided, single submitter. Criteria: Invitae Variant Classification Sherloc (09022015). Collection method: clinical testing. Allele origin: germline.
Comment: This sequence change replaces arginine, which is basic and polar, with histidine, which is basic and polar, at codon 780 of the GBA2 protein (p.Arg780His). This variant is present in population databases (rs562375787, gnomAD 0.003%). This variant has not been reported in the literature in individuals affected with GBA2-related conditions. Advanced modeling of protein sequence and biophysical properties (such as structural, functional, and spatial information, amino acid conservation, physicochemical variation, residue mobility, and thermodynamic stability) performed at Invitae indicates that this missense variant is not expected to disrupt GBA2 protein function with a negative predictive value of 80%. In summary, the available evidence is currently insufficient to determine the role of this variant in disease. Therefore, it has been classified as a Variant of Uncertain Significance.